The following is an entry in ClinVar:

ClinVar aggregate classification (germline): Uncertain significance (1 of 4 stars; one submission).

Conditions:
Tuberous sclerosis 2 (TSC2). Identifiers: Orphanet 805, MedGen C1860707, MONDO:0013199, OMIM 613254.

Submission:

Labcorp Genetics (formerly Invitae), Labcorp
Classification: Uncertain significance for Tuberous sclerosis 2. Last evaluated: 2025-02-12. Review status: criteria provided, single submitter. Criteria: Invitae Variant Classification Sherloc (09022015). Collection method: clinical testing. Allele origin: germline.
Comment: This sequence change replaces asparagine, which is neutral and polar, with aspartic acid, which is acidic and polar, at codon 1233 of the TSC2 protein (p.Asn1233Asp). This variant is not present in population databases (gnomAD no frequency). This variant has not been reported in the literature in individuals affected with TSC2-related conditions. Invitae Evidence Modeling of protein sequence and biophysical properties (such as structural, functional, and spatial information, amino acid conservation, physicochemical variation, residue mobility, and thermodynamic stability) indicates that this missense variant is not expected to disrupt TSC2 protein function with a negative predictive value of 95%. In summary, the available evidence is currently insufficient to determine the role of this variant in disease. Therefore, it has been classified as a Variant of Uncertain Significance.

NM_000548.5(TSC2):c.3697A>G (p.Asn1233Asp)

Gene: TSC2 (TSC complex subunit 2; plus strand). Cytogenetic location: 16p13.3.
Variant type: single nucleotide variant.
Coding change: c.3697A>G on transcript NM_000548.5 (MANE Select); coding-DNA position 3697, A replaced by G.
Protein change: p.Asn1233Asp; replaces asparagine 1233 with aspartic acid.
Molecular consequence: missense variant. On other transcripts: non-coding transcript variant (5).
Genome position (GRCh38, 1-based): chr16:2,081,681, A>G. VCF-style: chr16-2081681-A-G. GRCh37 (hg19) VCF-style: chr16-2131682-A-G.
Other names: c.3565A>G, p.Asn1189Asp (NM_001077183.3, NM_001370404.1, NM_001406665.1); c.3697A>G, p.Asn1233Asp (NM_001114382.3); c.3457A>G, p.Asn1153Asp (NM_001318827.2); c.3421A>G, p.Asn1141Asp (NM_001318829.2); c.2965A>G, p.Asn989Asp (NM_001318831.2, NM_001406687.1, NM_001406688.1); c.3598A>G, p.Asn1200Asp (NM_001318832.2); c.3568A>G, p.Asn1190Asp (NM_001363528.2, NM_001370405.1, NM_021055.3); c.3694A>G, p.Asn1232Asp (NM_001406663.1, NM_001406664.1); and 18 more; short protein forms N1032D, N1033D, N1036D, N1140D, N1141D, N1152D, N1153D, N1170D.
Identifiers: ClinVar variation 4802876 (VCV004802876.1).
Genomic context (GRCh38, chr16:2,081,681, plus strand): 5'-GAGAACCCGCTCAGCCCTTTCTCCTCGGACATCAACAACATGCCCCTGCAGGAGCTGTCT[A>G]ACGCCCTCATGGCGGCTGAGCGCTTCAAGGAGCACCGGGACACAGCCCTGTACAAGTCAC-3'
Protein context (NP_000539.2, residues 1223-1243): INNMPLQELS[Asn1233Asp]ALMAAERFKE